The following is an entry in ClinVar:

ClinVar aggregate classification (germline): Uncertain significance. Review status: criteria provided, multiple submitters, no conflicts (2 of 4 stars). 2 submissions from 2 submitters: Uncertain significance (2). Last evaluated 2025-07-14.

Conditions:
Fanconi anemia complementation group P. Also called: SLX4-Related Fanconi Anemia. Identifiers: Orphanet 84, MedGen C3469542, MONDO:0013499, OMIM 613951.
Fanconi anemia (FA). Also called: Fanconi's anemia. Identifiers: Orphanet 84, MedGen C0015625, MeSH D005199, MONDO:0019391.

gnomAD v4.1: 2 of 1,614,262 alleles (0.00012%); highest among the groups gnomAD compares: African/African-American, 0.0013%; no homozygotes.

Submissions (2):

Labcorp Genetics (formerly Invitae), Labcorp
Classification: Uncertain significance for Fanconi anemia. Last evaluated: 2025-07-14. Review status: criteria provided, single submitter. Criteria: Invitae Variant Classification Sherloc (09022015). Collection method: clinical testing. Allele origin: germline.
Comment: This sequence change replaces serine, which is neutral and polar, with tyrosine, which is neutral and polar, at codon 1713 of the SLX4 protein (p.Ser1713Tyr). This variant is not present in population databases (gnomAD no frequency). This variant has not been reported in the literature in individuals affected with SLX4-related conditions. ClinVar contains an entry for this variant (Variation ID: 3580448). An algorithm developed to predict the effect of missense changes on protein structure and function (PolyPhen-2) suggests that this variant is likely to be disruptive. In summary, the available evidence is currently insufficient to determine the role of this variant in disease. Therefore, it has been classified as a Variant of Uncertain Significance.

Fulgent Genetics
Classification: Uncertain significance for Fanconi anemia complementation group P. Last evaluated: 2024-03-07. Review status: criteria provided, single submitter. Criteria: ACMG Guidelines, 2015. Collection method: clinical testing. Allele origin: germline.

NM_032444.4(SLX4):c.5138C>A (p.Ser1713Tyr)

Gene: SLX4 (SLX4 structure-specific endonuclease subunit; minus strand). Cytogenetic location: 16p13.3.
Variant type: single nucleotide variant.
Coding change: c.5138C>A on transcript NM_032444.4 (MANE Select); coding-DNA position 5138, C replaced by A.
Protein change: p.Ser1713Tyr; replaces serine 1713 with tyrosine.
Molecular consequence: missense variant.
Genome position (GRCh38, 1-based): chr16:3,583,112, G>T on the plus strand (C>A on the coding strand, the complement: SLX4 is on the minus strand). VCF-style: chr16-3583112-G-T. GRCh37 (hg19) VCF-style: chr16-3633113-G-T.
Other names: short protein forms S1713Y.
Identifiers: ClinVar variation 3580448 (VCV003580448.3).